The following is an entry in ClinVar:

ClinVar aggregate classification (germline): Uncertain significance (1 of 4 stars; one submission).

gnomAD v4.1: 1 of 1,613,394 alleles (0.000062%); highest among the groups gnomAD compares: Non-Finnish European, 0.000085%; no homozygotes.

Submission:

Labcorp Genetics (formerly Invitae), Labcorp
Classification: Uncertain significance. Last evaluated: 2022-05-31. Review status: criteria provided, single submitter. Criteria: Invitae Variant Classification Sherloc (09022015). Collection method: clinical testing. Allele origin: germline.
Comment: This variant has not been reported in the literature in individuals affected with TANGO2-related conditions. This sequence change replaces alanine, which is neutral and non-polar, with glutamic acid, which is acidic and polar, at codon 225 of the TANGO2 protein (p.Ala225Glu). This variant is not present in population databases (gnomAD no frequency). Algorithms developed to predict the effect of missense changes on protein structure and function are either unavailable or do not agree on the potential impact of this missense change (SIFT: "Not Available"; PolyPhen-2: "Possibly Damaging"; Align-GVGD: "Not Available"). In summary, the available evidence is currently insufficient to determine the role of this variant in disease. Therefore, it has been classified as a Variant of Uncertain Significance.

NM_152906.7(TANGO2):c.674C>A (p.Ala225Glu)

Gene: TANGO2 (transport and golgi organization 2 homolog; plus strand). Cytogenetic location: 22q11.21.
Variant type: single nucleotide variant.
Coding change: c.674C>A on transcript NM_152906.7 (MANE Select); coding-DNA position 674, C replaced by A.
Protein change: p.Ala225Glu; replaces alanine 225 with glutamic acid.
Molecular consequence: missense variant. On other transcripts: synonymous variant (5), 3 prime UTR variant (1), non-coding transcript variant (5), intron variant (1).
Genome position (GRCh38, 1-based): chr22:20,063,406, C>A. VCF-style: chr22-20063406-C-A. GRCh37 (hg19) VCF-style: chr22-20050929-C-A.
Other names: c.674C>A, p.Ala225Glu (NM_001283106.3, NM_001283116.3, NM_001322142.2); c.797C>A, p.Ala266Glu (NM_001283129.3, NM_001322141.2, NM_001322143.2); c.672C>A, p.Arg224= (NM_001283148.3, NM_001283154.3); c.488C>A, p.Ala163Glu (NM_001283179.3, NM_001283186.3, NM_001322163.2 and 2 more transcripts); c.449C>A, p.Ala150Glu (NM_001283199.3); c.380C>A, p.Ala127Glu (NM_001283235.3, NM_001322150.2, NM_001322153.2 and 6 more transcripts); c.*10C>A (NM_001283248.3); c.795C>A, p.Arg265= (NM_001322144.2); and 5 more; short protein forms A266E, A191E, A225E, A127E, A150E, A163E, A204E.
Identifiers: ClinVar variation 1962838 (VCV001962838.5), dbSNP rs759993183, ClinGen allele CA410700378.